The following is an entry in ClinVar:

NM_005334.3(HCFC1):c.4016A>C (p.Asn1339Thr)

Gene: HCFC1 (host cell factor C1; minus strand). Cytogenetic location: Xq28.
Variant type: single nucleotide variant.
Coding change: c.4016A>C on transcript NM_005334.3 (MANE Select); coding-DNA position 4016, A replaced by C.
Protein change: p.Asn1339Thr; replaces asparagine 1339 with threonine.
Molecular consequence: missense variant.
Genome position (GRCh38, 1-based): chrX:153,954,383, T>G on the plus strand (A>C on the coding strand, the complement: HCFC1 is on the minus strand). VCF-style: chrX-153954383-T-G. GRCh37 (hg19) VCF-style: chrX-153219834-T-G.
Other names: short protein forms N1339T.
Identifiers: ClinVar variation 1302040 (VCV001302040.2), dbSNP rs2148570407, ClinGen allele CA415118117.

ClinVar aggregate classification (germline): Uncertain significance (1 of 4 stars; one submission).

Submission:

GeneDx
Classification: Uncertain significance. Last evaluated: 2019-05-03. Review status: criteria provided, single submitter. Criteria: GeneDx Variant Classification Process June 2021. Collection method: clinical testing. Allele origin: germline. Affected: yes.
Comment: Not observed in large population cohorts (Lek et al., 2016); In silico analysis, which includes protein predictors and evolutionary conservation, supports that this variant does not alter protein structure/function; Has not been previously published as pathogenic or benign to our knowledge